The following is an entry in ClinVar:

NM_001987.5(ETV6):c.293C>G (p.Thr98Ser)

Genes: ETV6 (ETS variant transcription factor 6; plus strand), LOC126861451 (BRD4-independent group 4 enhancer GRCh37_chr12:11991350-11992549; plus strand). Cytogenetic location: 12p13.2.
Variant type: single nucleotide variant.
Coding change: c.293C>G on transcript NM_001987.5 (MANE Select); coding-DNA position 293, C replaced by G.
Protein change: p.Thr98Ser; replaces threonine 98 with serine.
Molecular consequence: missense variant.
Genome position (GRCh38, 1-based): chr12:11,839,269, C>G. VCF-style: chr12-11839269-C-G. GRCh37 (hg19) VCF-style: chr12-11992203-C-G.
Other names: c.290C>G, p.Thr97Ser (NM_001413913.1); c.266C>G, p.Thr89Ser (NM_001413914.1); c.29C>G, p.Thr10Ser (NM_001413915.1); c.293C>G, p.Thr98Ser (NM_001413916.1, NM_001413917.1, NM_001413918.1); short protein forms T98S, T97S, T10S, T89S.
Identifiers: ClinVar variation 3715622 (VCV003715622.3).

ClinVar aggregate classification (germline): Uncertain significance. Review status: criteria provided, multiple submitters, no conflicts (2 of 4 stars). 2 submissions from 2 submitters: Uncertain significance (2). Last evaluated 2025-03-10.

Conditions:
Inborn genetic diseases. Identifiers: MedGen C0950123, MeSH D030342.

gnomAD v4.1: 5 of 1,614,000 alleles (0.00031%); highest among the groups gnomAD compares: Admixed American, 0.005%; no homozygotes.

Submissions (2):

Ambry Genetics
Classification: Uncertain significance for Inborn genetic diseases. Last evaluated: 2025-03-10. Review status: criteria provided, single submitter. Criteria: Ambry Variant Classification Scheme 2023. Collection method: clinical testing. Allele origin: germline.
Comment: The p.T98S variant (also known as c.293C>G), located in coding exon 3 of the ETV6 gene, results from a C to G substitution at nucleotide position 293. The threonine at codon 98 is replaced by serine, an amino acid with similar properties. This amino acid position is conserved. In addition, the in silico prediction for this alteration is inconclusive. Based on the available evidence, the clinical significance of this variant remains unclear.

Labcorp Genetics (formerly Invitae), Labcorp
Classification: Uncertain significance. Last evaluated: 2024-04-14. Review status: criteria provided, single submitter. Criteria: Invitae Variant Classification Sherloc (09022015). Collection method: clinical testing. Allele origin: germline.
Comment: This sequence change replaces threonine, which is neutral and polar, with serine, which is neutral and polar, at codon 98 of the ETV6 protein (p.Thr98Ser). This variant is present in population databases (rs776026236, gnomAD 0.006%). This variant has not been reported in the literature in individuals affected with ETV6-related conditions. Advanced modeling of protein sequence and biophysical properties (such as structural, functional, and spatial information, amino acid conservation, physicochemical variation, residue mobility, and thermodynamic stability) performed at Invitae indicates that this missense variant is not expected to disrupt ETV6 protein function with a negative predictive value of 80%. In summary, the available evidence is currently insufficient to determine the role of this variant in disease. Therefore, it has been classified as a Variant of Uncertain Significance.